The following is an entry in ClinVar:

ClinVar aggregate classification (germline): Uncertain significance (1 of 4 stars; one submission).

Conditions:
PLXNA3-related disorder. Also called: PLXNA3-related condition.

Submission:

PreventionGenetics, part of Exact Sciences
Classification: Uncertain significance for PLXNA3-related condition. Last evaluated: 2026-05-21. Review status: criteria provided, single submitter. Criteria: ACMG Guidelines, 2015. Collection method: clinical testing. Allele origin: germline.
Comment: The PLXNA3 c.2635G>A variant is predicted to result in the amino acid substitution p.Val879Met. This variant was reported in an individual with severe obesity and functional studies suggest it causes abnormal protein localization and function (van der Klaauw et al. 2019. PubMed ID: 30661757). This variant is reported in 0.0033% of alleles in individuals of European (Non-Finnish) descent in gnomAD. At this time, the clinical significance of this variant is uncertain due to the absence of conclusive functional and genetic evidence.

NM_017514.5(PLXNA3):c.2635G>A (p.Val879Met)

Gene: PLXNA3 (plexin A3; plus strand). Cytogenetic location: Xq28.
Variant type: single nucleotide variant.
Coding change: c.2635G>A on transcript NM_017514.5 (MANE Select); coding-DNA position 2635, G replaced by A.
Protein change: p.Val879Met; replaces valine 879 with methionine.
Molecular consequence: missense variant.
Genome position (GRCh38, 1-based): chrX:154,466,037, G>A. VCF-style: chrX-154466037-G-A. GRCh37 (hg19) VCF-style: chrX-153694380-G-A.
Other names: short protein forms V879M.
Identifiers: ClinVar variation 3355982 (VCV003355982.2).